The following is an entry in ClinVar:

NM_033026.6(PCLO):c.8108T>C (p.Leu2703Pro)

Gene: PCLO (piccolo presynaptic cytomatrix protein; minus strand). Cytogenetic location: 7q21.11.
Variant type: single nucleotide variant.
Coding change: c.8108T>C on transcript NM_033026.6 (MANE Select); coding-DNA position 8108, T replaced by C.
Protein change: p.Leu2703Pro; replaces leucine 2703 with proline.
Molecular consequence: missense variant.
Genome position (GRCh38, 1-based): chr7:82,952,845, A>G on the plus strand (T>C on the coding strand, the complement: PCLO is on the minus strand). VCF-style: chr7-82952845-A-G. GRCh37 (hg19) VCF-style: chr7-82582161-A-G.
Other names: c.8108T>C, p.Leu2703Pro (NM_014510.3); short protein forms L2703P.
Identifiers: ClinVar variation 1403209 (VCV001403209.6), dbSNP rs1247382225, ClinGen allele CA367911963.
Genomic context (GRCh38, chr7:82,952,845, plus strand): 5'-AGTTGCAATTTTCCATCTTCTTTATACTGAGGCTTCTCTAAATGTATGTTATCTAGAGCA[A>G]GAGGCTCTGGAGGAATTGTTATGGAAATGCTGCTGAGACCAACACTAGGAGCTGTACTTC-3'
Protein context (NP_149015.2, residues 2693-2713): SISITIPPEP[Leu2703Pro]ALDNIHLEKP

ClinVar aggregate classification (germline): Uncertain significance (1 of 4 stars; one submission).

Allele frequency attached by ClinVar (database versions not stated): gnomAD exomes below 0.00001; TOPMed below 0.00001; gnomAD 0.00001.
gnomAD v4.1: 4 of 1,613,346 alleles (0.00025%); highest among the groups gnomAD compares: African/African-American, 0.004%; no homozygotes.

Submission:

Labcorp Genetics (formerly Invitae), Labcorp
Classification: Uncertain significance. Last evaluated: 2025-02-10. Review status: criteria provided, single submitter. Criteria: Invitae Variant Classification Sherloc (09022015). Collection method: clinical testing. Allele origin: germline.
Comment: This sequence change replaces leucine, which is neutral and non-polar, with proline, which is neutral and non-polar, at codon 2703 of the PCLO protein (p.Leu2703Pro). This variant is present in population databases (no rsID available, gnomAD 0.007%). This variant has not been reported in the literature in individuals affected with PCLO-related conditions. ClinVar contains an entry for this variant (Variation ID: 1403209). Experimental studies and prediction algorithms are not available or were not evaluated, and the functional significance of this variant is currently unknown. In summary, the available evidence is currently insufficient to determine the role of this variant in disease. Therefore, it has been classified as a Variant of Uncertain Significance.